The following is an entry in ClinVar:

ClinVar aggregate classification (germline): Conflicting classifications of pathogenicity. Review status: criteria provided, conflicting classifications (1 of 4 stars). 4 submissions from 4 submitters: Uncertain significance (3); Likely benign (1). Last evaluated 2026-08-01.

Conditions:
Erythrocyte AMP deaminase deficiency. Identifiers: Orphanet 45, MedGen C2752073, OMIM 612874, MONDO:0020734.

Allele frequency attached by ClinVar (database versions not stated): ESP Exome Variant Server 0.00069; 1000 Genomes Project 30x 0.00094; ExAC 0.00097; gnomAD exomes 0.00099 and 0.00187; 1000 Genomes Project 0.00100; TOPMed 0.00107; gnomAD 0.00116 and 0.00119.

Submissions (4):

CeGaT Center for Human Genetics Tuebingen
Classification: Likely benign. Last evaluated: 2026-08-01. Review status: criteria provided, single submitter. Criteria: CeGaT Center For Human Genetics Tuebingen Variant Classification Criteria Version 2. Collection method: clinical testing. Allele origin: germline. Affected: yes. Observed: 1 variant allele.
Comment: AMPD3: BS2

Fulgent Genetics
Classification: Uncertain significance for Erythrocyte AMP deaminase deficiency. Last evaluated: 2022-05-26. Review status: criteria provided, single submitter. Criteria: ACMG Guidelines, 2015. Collection method: clinical testing. Allele origin: unknown.

Illumina Laboratory Services, Illumina
Classification: Uncertain significance for Erythrocyte AMP deaminase deficiency. Last evaluated: 2018-01-12. Review status: criteria provided, single submitter. Criteria: ICSL Variant Classification Criteria 13 December 2019. Collection method: clinical testing. Allele origin: germline.

Breakthrough Genomics
Classification: Uncertain significance. Review status: criteria provided, single submitter. Criteria: ACMG Guidelines, 2015. Collection method: not provided. Allele origin: germline. Inheritance: Autosomal recessive inheritance. Affected: yes.

NM_001025389.2(AMPD3):c.836A>G (p.Asn279Ser)

Gene: AMPD3 (adenosine monophosphate deaminase 3; plus strand). Cytogenetic location: 11p15.4.
Variant type: single nucleotide variant.
Coding change: c.836A>G on transcript NM_001025389.2 (MANE Select); coding-DNA position 836, A replaced by G.
Protein change: p.Asn279Ser; replaces asparagine 279 with serine.
Molecular consequence: missense variant.
Genome position (GRCh38, 1-based): chr11:10,487,261, A>G. VCF-style: chr11-10487261-A-G. GRCh37 (hg19) VCF-style: chr11-10508808-A-G.
Other names: c.863A>G, p.Asn288Ser (NM_000480.3); c.857A>G, p.Asn286Ser (NM_001025390.2); c.836A>G, p.Asn279Ser (NM_001172430.1); c.359A>G, p.Asn120Ser (NM_001172431.2); short protein forms N286S, N120S, N288S, N279S.
Identifiers: ClinVar variation 879016 (VCV000879016.7), dbSNP rs144613367, ClinGen allele CA5882775.